The following is an entry in ClinVar:

NM_016148.5(SHANK1):c.2878G>A (p.Gly960Ser)

Gene: SHANK1 (SH3 and multiple ankyrin repeat domains 1; minus strand). Cytogenetic location: 19q13.33.
Variant type: single nucleotide variant.
Coding change: c.2878G>A on transcript NM_016148.5 (MANE Select); coding-DNA position 2878, G replaced by A.
Protein change: p.Gly960Ser; replaces glycine 960 with serine.
Molecular consequence: missense variant.
Genome position (GRCh38, 1-based): chr19:50,669,082, C>T on the plus strand (G>A on the coding strand, the complement: SHANK1 is on the minus strand). VCF-style: chr19-50669082-C-T. GRCh37 (hg19) VCF-style: chr19-51172339-C-T.
Other names: short protein forms G960S.
Identifiers: ClinVar variation 2501971 (VCV002501971.1), dbSNP rs2513887514, ClinGen allele CA407018703.

ClinVar aggregate classification (germline): Uncertain significance (1 of 4 stars; one submission).

Submission:

GeneDx
Classification: Uncertain significance. Last evaluated: 2023-05-12. Review status: criteria provided, single submitter. Criteria: GeneDx Variant Classification Process June 2021. Collection method: clinical testing. Allele origin: germline. Affected: yes.
Comment: Not observed at significant frequency in large population cohorts (gnomAD); In silico analysis supports that this missense variant does not alter protein structure/function; Has not been previously published as pathogenic or benign to our knowledge